The following is an entry in ClinVar:

NM_001875.5(CPS1):c.2144_2145del (p.Val715fs)

Gene: CPS1 (carbamoyl-phosphate synthase 1; plus strand). Cytogenetic location: 2q34.
Variant type: Deletion.
Coding change: c.2144_2145del on transcript NM_001875.5 (MANE Select); coding-DNA positions 2144 to 2145, 2 bases deleted (TG; older notation c.2144_2145delTG).
Protein change: p.Val715fs; shifts the reading frame from valine 715.
Molecular consequence: frameshift variant. On other transcripts: non-coding transcript variant (2).
Genome position (GRCh38, 1-based): chr2:210,606,893-210,606,894, TG deleted; deleting any 2 consecutive bases within chr2:210,606,892-210,606,894 gives the same sequence; the c. name uses the placement nearest the transcript's 3' end. VCF-style (leftmost placement, unchanged base first): chr2-210606891-AGT-A. GRCh37 (hg19) VCF-style: chr2-211471615-AGT-A.
Other names: c.2144_2145del, p.Val715fs (NM_001122633.3, NM_001369257.1); c.2177_2178del, p.Val726fs (NM_001369256.1); short protein forms V715fs, V726fs.
Identifiers: ClinVar variation 1724326 (VCV001724326.2), dbSNP rs2469169661, ClinGen allele CA2580065527.

ClinVar aggregate classification (germline): Likely pathogenic (1 of 4 stars; one submission).

Conditions:
Congenital hyperammonemia, type I. Also called: Carbamoyl phosphate synthetase 1 deficiency; Hyperammonemia due to carbamoyl phosphate synthetase 1 deficiency; CPS 1 deficiency; Carbamyl phosphate synthetase (CPS) deficiency; CPS I DEFICIENCY; Carbamoyl-phosphate synthase I deficiency. Identifiers: Orphanet 147, MedGen C4082171, MONDO:0009376, OMIM 237300.

Submission:

Myriad Genetics, Inc.
Classification: Likely pathogenic for Congenital hyperammonemia, type I. Last evaluated: 2022-02-05. Review status: criteria provided, single submitter. Criteria: Myriad Women's Health Autosomal Recessive and X-Linked Classification Criteria (2021). Collection method: clinical testing. Allele origin: unknown.
Comment: NM_001875.4(CPS1):c.2144_2145delTG(V715Efs*36) is expected to be pathogenic in the context of carbamoylphosphate synthetase I deficiency. This variant is predicted to lead to an abnormal or absent protein product due to the creation of a premature termination codon in CPS1, a gene where loss-of-function variants are known to be pathogenic. Please note: this variant was assessed in the context of healthy population screening.